The following is an entry in ClinVar:

ClinVar aggregate classification (germline): Uncertain significance (1 of 4 stars; one submission).

Allele frequency attached by ClinVar (database versions not stated): gnomAD exomes below 0.00001; TOPMed below 0.00001; gnomAD 0.00001.
gnomAD v4.1: 4 of 1,614,008 alleles (0.00025%); highest among the groups gnomAD compares: African/African-American, 0.0013%; no homozygotes.

Submission:

Labcorp Genetics (formerly Invitae), Labcorp
Classification: Uncertain significance. Last evaluated: 2024-01-02. Review status: criteria provided, single submitter. Criteria: Invitae Variant Classification Sherloc (09022015). Collection method: clinical testing. Allele origin: germline.
Comment: This sequence change replaces threonine, which is neutral and polar, with isoleucine, which is neutral and non-polar, at codon 193 of the PRPF6 protein (p.Thr193Ile). This variant is not present in population databases (gnomAD no frequency). This variant has not been reported in the literature in individuals affected with PRPF6-related conditions. ClinVar contains an entry for this variant (Variation ID: 861791). Advanced modeling of protein sequence and biophysical properties (such as structural, functional, and spatial information, amino acid conservation, physicochemical variation, residue mobility, and thermodynamic stability) performed at Invitae indicates that this missense variant is not expected to disrupt PRPF6 protein function with a negative predictive value of 80%. In summary, the available evidence is currently insufficient to determine the role of this variant in disease. Therefore, it has been classified as a Variant of Uncertain Significance.

NM_012469.4(PRPF6):c.578C>T (p.Thr193Ile)

Gene: PRPF6 (pre-mRNA processing factor 6; plus strand). Cytogenetic location: 20q13.33.
Variant type: single nucleotide variant.
Coding change: c.578C>T on transcript NM_012469.4 (MANE Select); coding-DNA position 578, C replaced by T.
Protein change: p.Thr193Ile; replaces threonine 193 with isoleucine.
Molecular consequence: missense variant.
Genome position (GRCh38, 1-based): chr20:63,995,055, C>T. VCF-style: chr20-63995055-C-T. GRCh37 (hg19) VCF-style: chr20-62626408-C-T.
Other names: short protein forms T193I.
Identifiers: ClinVar variation 861791 (VCV000861791.7), dbSNP rs1369244650, ClinGen allele CA409715768.